The following is an entry in ClinVar:

NM_001365480.1(CCDC88A):c.1652_1653del (p.Arg551fs)

Gene: CCDC88A (coiled-coil and HOOK domain protein 88A; minus strand). Cytogenetic location: 2p16.1.
Variant type: Microsatellite.
Coding change: c.1652_1653del on transcript NM_001365480.1 (MANE Select); coding-DNA positions 1652 to 1653, 2 bases deleted (GA; older notation c.1652_1653delGA).
Protein change: p.Arg551fs; shifts the reading frame from arginine 551.
Molecular consequence: frameshift variant.
Genome position (GRCh38, 1-based): chr2:55,336,684-55,336,685, TC deleted on the plus strand (GA on the coding strand, the reverse complement: CCDC88A is on the minus strand); deleting any 2 consecutive bases within chr2:55,336,684-55,336,690 gives the same sequence; the c. name uses the placement nearest the transcript's 3' end. VCF-style (leftmost placement, unchanged base first): chr2-55336683-GTC-G. GRCh37 (hg19) VCF-style: chr2-55563819-GTC-G.
Other names: c.1652_1653del, p.Arg551fs (NM_001135597.2, NM_001254943.2, NM_018084.5); short protein forms R551fs.
Identifiers: ClinVar variation 2080658 (VCV002080658.4), dbSNP rs1376116733, ClinGen allele CA532786127.

ClinVar aggregate classification (germline): Pathogenic (1 of 4 stars; one submission).

Submission:

Labcorp Genetics (formerly Invitae), Labcorp
Classification: Pathogenic. Last evaluated: 2024-11-06. Review status: criteria provided, single submitter. Criteria: Invitae Variant Classification Sherloc (09022015). Collection method: clinical testing. Allele origin: germline.
Comment: This sequence change creates a premature translational stop signal (p.Arg551Thrfs*3) in the CCDC88A gene. It is expected to result in an absent or disrupted protein product. Loss-of-function variants in CCDC88A are known to be pathogenic (PMID: 26917597, 30392057). This variant is present in population databases (no rsID available, gnomAD 0.007%). This variant has not been reported in the literature in individuals affected with CCDC88A-related conditions. For these reasons, this variant has been classified as Pathogenic.

Literature cited by the submitters: PubMed 26917597; PubMed 30392057.